The following is an entry in ClinVar:

ClinVar aggregate classification (germline): Uncertain significance (1 of 4 stars; one submission).

Conditions:
Hereditary cancer-predisposing syndrome. Also called: Neoplastic Syndromes, Hereditary; Tumor predisposition; Hereditary neoplastic syndrome; Hereditary Cancer Syndrome. Identifiers: Orphanet 140162, MedGen C0027672, MeSH D009386, MONDO:0015356.

Submission:

Ambry Genetics
Classification: Uncertain significance for Hereditary cancer-predisposing syndrome. Last evaluated: 2023-10-04. Review status: criteria provided, single submitter. Criteria: Ambry Variant Classification Scheme 2023. Collection method: clinical testing. Allele origin: germline.
Comment: The p.M299L variant (also known as c.895A>C), located in coding exon 9 of the POLE gene, results from an A to C substitution at nucleotide position 895. The methionine at codon 299 is replaced by leucine, an amino acid with highly similar properties. This alteration was identified in an individual diagnosed with ovarian cancer (Song H et al. J Med Genet, 2021 May;58:305-313). This amino acid position is highly conserved in available vertebrate species. In addition, the in silico prediction for this alteration is inconclusive. Since supporting evidence is limited at this time, the clinical significance of this alteration remains unclear.

Literature cited by the submitters: PubMed 32546565.

NM_006231.4(POLE):c.895A>C (p.Met299Leu)

Gene: POLE (DNA polymerase epsilon, catalytic subunit; minus strand). Cytogenetic location: 12q24.33.
Variant type: single nucleotide variant.
Coding change: c.895A>C on transcript NM_006231.4 (MANE Select); coding-DNA position 895, A replaced by C.
Protein change: p.Met299Leu; replaces methionine 299 with leucine.
Molecular consequence: missense variant.
Genome position (GRCh38, 1-based): chr12:132,676,560, T>G on the plus strand (A>C on the coding strand, the complement: POLE is on the minus strand). VCF-style: chr12-132676560-T-G. GRCh37 (hg19) VCF-style: chr12-133253146-T-G.
Other names: short protein forms M299L.
Identifiers: ClinVar variation 3225511 (VCV003225511.1), dbSNP rs370727992, ClinGen allele CA387364188.
Genomic context (GRCh38, chr12:132,676,560, plus strand): 5'-AAGGTCCCCATCCCAGGAGCTTACTTCCCAGAAGCCACCTGCTCACCTGGCCATCGATCA[T>G]GTAGGAAATCATCATAATCTGGTCTGTCTCAGCATCAGGAAACTTGAGGGGCAGTTTGGT-3'
Protein context (NP_006222.2, residues 289-309): ETDQIMMISY[Met299Leu]IDGQGYLITN